The following is an entry in ClinVar:

NM_005236.3(ERCC4):c.1304T>G (p.Leu435Arg)

Gene: ERCC4 (ERCC excision repair 4, endonuclease catalytic subunit; plus strand). Cytogenetic location: 16p13.12.
Variant type: single nucleotide variant.
Coding change: c.1304T>G on transcript NM_005236.3 (MANE Select); coding-DNA position 1304, T replaced by G.
Protein change: p.Leu435Arg; replaces leucine 435 with arginine.
Molecular consequence: missense variant.
Genome position (GRCh38, 1-based): chr16:13,935,236, T>G. VCF-style: chr16-13935236-T-G. GRCh37 (hg19) VCF-style: chr16-14029093-T-G.
Other names: short protein forms L435R.
Identifiers: ClinVar variation 851569 (VCV000851569.9), dbSNP rs1001540758, ClinGen allele CA278471532.
Genomic context (GRCh38, chr16:13,935,236, plus strand): 5'-GAACATGTTCCCAGCTGAGAGACTATATCACTCTTGGAGCGGAGGCCTTCTTATTGAGGC[T>G]CTACAGGAAAACCTTTGAGAAGGATAGCAAAGCTGAAGAAGTCTGGATGAAATTTAGGAA-3'
Protein context (NP_005227.1, residues 425-445): TLGAEAFLLR[Leu435Arg]YRKTFEKDSK

ClinVar aggregate classification (germline): Uncertain significance (1 of 4 stars; one submission).

Conditions:
Cockayne syndrome. Identifiers: Orphanet 191, MedGen C0009207, MONDO:0016006.
Xeroderma pigmentosum, group F (XPF). Also called: XERODERMA PIGMENTOSUM VI; XP, GROUP F; XERODERMA PIGMENTOSUM, COMPLEMENTATION GROUP F; ERCC4-Related Xeroderma Pigmentosum; XERODERMA PIGMENTOSUM, TYPE F; Xeroderma pigmentosum, type 6. Identifiers: MedGen C0268140, MONDO:0010215, OMIM 278760.
Fanconi anemia complementation group Q. Identifiers: Orphanet 84, MedGen C3808988, MONDO:0014108, OMIM 615272.

Allele frequency attached by ClinVar (database versions not stated): gnomAD exomes below 0.00001 and 0.00003; gnomAD 0.00001; TOPMed 0.00001.
gnomAD v4.1: 44 of 1,613,976 alleles (0.0027%); highest among the groups gnomAD compares: Non-Finnish European, 0.0036%; no homozygotes.

Submission:

Labcorp Genetics (formerly Invitae), Labcorp
Classification: Uncertain significance for Fanconi anemia complementation group Q; Xeroderma pigmentosum, group F; Cockayne syndrome. Last evaluated: 2020-01-17. Review status: criteria provided, single submitter. Criteria: Invitae Variant Classification Sherloc (09022015). Collection method: clinical testing. Allele origin: germline.
Comment: In summary, the available evidence is currently insufficient to determine the role of this variant in disease. Therefore, it has been classified as a Variant of Uncertain Significance. Algorithms developed to predict the effect of missense changes on protein structure and function are either unavailable or do not agree on the potential impact of this missense change (SIFT: "Deleterious"; PolyPhen-2: "Probably Damaging"; Align-GVGD: "Class C0"). This variant has not been reported in the literature in individuals with ERCC4-related conditions. This variant is not present in population databases (ExAC no frequency). This sequence change replaces leucine with arginine at codon 435 of the ERCC4 protein (p.Leu435Arg). The leucine residue is highly conserved and there is a moderate physicochemical difference between leucine and arginine.